The following is an entry in ClinVar:

NM_000383.4(AIRE):c.1091C>G (p.Thr364Ser)

Gene: AIRE (autoimmune regulator; plus strand). Cytogenetic location: 21q22.3.
Variant type: single nucleotide variant.
Coding change: c.1091C>G on transcript NM_000383.4 (MANE Select); coding-DNA position 1091, C replaced by G.
Protein change: p.Thr364Ser; replaces threonine 364 with serine.
Molecular consequence: missense variant.
Genome position (GRCh38, 1-based): chr21:44,292,397, C>G. VCF-style: chr21-44292397-C-G. GRCh37 (hg19) VCF-style: chr21-45712280-C-G.
Other names: short protein forms T364S.
Identifiers: ClinVar variation 2121361 (VCV002121361.4), dbSNP rs757362732, ClinGen allele CA410425236.

ClinVar aggregate classification (germline): Uncertain significance (1 of 4 stars; one submission).

Conditions:
Polyglandular autoimmune syndrome, type 1 (APS1). Also called: APS I; Autoimmune polyendocrine syndrome type 1; Whitaker syndrome; HYPOADRENOCORTICISM WITH HYPOPARATHYROIDISM AND SUPERFICIAL MONILIASIS; Autoimmune polyendocrinopathy syndrome, type I; AUTOIMMUNE POLYENDOCRINE SYNDROME, TYPE I, WITH OR WITHOUT REVERSIBLE METAPHYSEAL DYSPLASIA. Identifiers: Orphanet 3453, MedGen C0085859, MONDO:0009411, OMIM 240300.

Submission:

Labcorp Genetics (formerly Invitae), Labcorp
Classification: Uncertain significance for Polyglandular autoimmune syndrome, type 1. Last evaluated: 2022-04-04. Review status: criteria provided, single submitter. Criteria: Invitae Variant Classification Sherloc (09022015). Collection method: clinical testing. Allele origin: germline.
Comment: In summary, the available evidence is currently insufficient to determine the role of this variant in disease. Therefore, it has been classified as a Variant of Uncertain Significance. Algorithms developed to predict the effect of missense changes on protein structure and function output the following: SIFT: "Deleterious"; PolyPhen-2: "Benign"; Align-GVGD: "Class C0". The serine amino acid residue is found in multiple mammalian species, which suggests that this missense change does not adversely affect protein function. This variant has not been reported in the literature in individuals affected with AIRE-related conditions. This variant is not present in population databases (gnomAD no frequency). This sequence change replaces threonine, which is neutral and polar, with serine, which is neutral and polar, at codon 364 of the AIRE protein (p.Thr364Ser).